The following is an entry in ClinVar:

NM_001267550.2(TTN):c.67349-2A>C

Genes: TTN (titin; minus strand), TTN-AS1 (TTN antisense RNA 1; plus strand). Cytogenetic location: 2q31.2.
Variant type: single nucleotide variant.
Coding change: c.67349-2A>C on transcript NM_001267550.2 (MANE Select); the canonical splice acceptor site of the intron before coding-DNA position 67349, A replaced by C.
Molecular consequence: splice acceptor variant.
Genome position (GRCh38, 1-based): chr2:178,579,850, T>G on the plus strand (A>C on the coding strand, the complement: TTN is on the minus strand). VCF-style: chr2-178579850-T-G. GRCh37 (hg19) VCF-style: chr2-179444577-T-G.
Other names: c.40154-2A>C (NM_003319.4); c.40730-2A>C (NM_133437.4); c.40529-2A>C (NM_133432.3); c.59645-2A>C (NM_133378.4); c.62426-2A>C (NM_001256850.1).
Identifiers: ClinVar variation 242425 (VCV000242425.22), dbSNP rs753948675, ClinGen allele CA1991314.

ClinVar aggregate classification (germline): Pathogenic/Likely pathogenic. Review status: criteria provided, multiple submitters, no conflicts (2 of 4 stars). 7 submissions from 7 submitters: Pathogenic (3); Likely pathogenic (4). Last evaluated 2026-08-27.

Conditions:
TTN-related disorder. Also called: TTN-related condition; TTN-related disease; TTN-related disorders.
Dilated cardiomyopathy 1G (CMD1G). Identifiers: Orphanet 154, MedGen C1858763, MONDO:0011400, OMIM 604145.
Autosomal recessive limb-girdle muscular dystrophy type 2J (LGMDR10). Also called: MUSCULAR DYSTROPHY, LIMB-GIRDLE, AUTOSOMAL RECESSIVE 10; Limb-girdle muscular dystrophy, type 2J. Identifiers: Orphanet 140922, MedGen C1837342, MONDO:0012127, OMIM 608807.
Early-onset myopathy with fatal cardiomyopathy (CMYO5). Also called: CONGENITAL MYOPATHY 5 WITH CARDIOMYOPATHY; Salih Myopathy. Identifiers: Orphanet 289377, MedGen C2673677, MONDO:0012714, OMIM 611705. Disease mechanism: loss of function.
Tibial muscular dystrophy (TMD). Also called: UDD MYOPATHY; Tibial muscular dystrophy, tardive; Udd Distal Myopathy – Tibial Muscular Dystrophy. Identifiers: Orphanet 609, MedGen C1838244, MONDO:0010870, OMIM 600334.
Myopathy, myofibrillar, 9, with early respiratory failure (MFM9). Also called: Myopathy, distal, with early respiratory failure, autosomal dominant; MYOPATHY, PROXIMAL, WITH EARLY RESPIRATORY MUSCLE INVOLVEMENT; Hereditary myopathy with early respiratory failure; EDSTROM MYOPATHY. Identifiers: Orphanet 178464, Orphanet 34521, MedGen C1863599, MONDO:0011362, OMIM 603689.
Hypertrophic cardiomyopathy 9. Also called: Familial hypertrophic cardiomyopathy 9. Identifiers: MedGen C1861065, MONDO:0013412, OMIM 613765.
Cardiomyopathy (CMYO). Also called: Cardiomyopathies. Identifiers: Orphanet 167848, MedGen C0878544, MONDO:0004994, HP:0001638. Inheritance: Various modes of inheritance.
Primary dilated cardiomyopathy (DCM). Also called: Dilated Cardiomyopathy. Identifiers: Orphanet 217604, MedGen C0007193, MeSH D002311, MONDO:0005021, HP:0001644. Inheritance: Various modes of inheritance.

Allele frequency attached by ClinVar (database versions not stated): gnomAD exomes below 0.00001 and 0.00002; ExAC 0.00001; gnomAD 0.00001; TOPMed 0.00001.
gnomAD v4.1: 23 of 1,612,446 alleles (0.0014%); highest among the groups gnomAD compares: Non-Finnish European, 0.0019%; no homozygotes.

Submissions (7):

GeneDx
Classification: Likely pathogenic. Last evaluated: 2026-08-27. Review status: criteria provided, single submitter. Criteria: GeneDx Variant Classification Process June 2021. Collection method: clinical testing. Allele origin: germline.
Comment: Identified in patients with dilated cardiomyopathy (DCM) referred for genetic testing at GeneDx and in published literature (PMID: 31954878, 34315225, 36264615); Reported in an individual with sudden cardiac death and past history of atherosclerotic cardiovascular disease (PMID: 31727422); Located in the A-band, a region of TTN for which truncating variants are significantly associated with autosomal dominant cardiomyopathy and also with autosomal recessive skeletal myopathies (PMID: 22335739, 32778822); Canonical splice site variant predicted to result in an in-frame loss of the adjacent exon in a gene for which loss of function is a known mechanism of disease; Also known as c.59645-2A>C; Not observed at significant frequency in large population cohorts (gnomAD); This variant is associated with the following publications: (PMID: 27854218, 32597815, 34315225, 31954878, 27159402, 31691645, 36264615, 31727422, 22335739, 32778822)

Labcorp Genetics (formerly Invitae), Labcorp
Classification: Pathogenic for Dilated cardiomyopathy 1G; Autosomal recessive limb-girdle muscular dystrophy type 2J. Last evaluated: 2026-01-10. Review status: criteria provided, single submitter. Criteria: Invitae Variant Classification Sherloc (09022015). Collection method: clinical testing. Allele origin: germline.
Comment: This sequence change affects an acceptor splice site in intron 318 of the TTN gene. It is expected to disrupt RNA splicing and likely results in a truncated or disrupted TTN protein. This variant is present in population databases (rs753948675, gnomAD 0.0009%). Disruption of this splice site has been observed in individual(s) with centronuclear myopathy (PMID: 27159402, 27854218). In at least one individual the data is consistent with being in trans (on the opposite chromosome) from a pathogenic variant. ClinVar contains an entry for this variant (Variation ID: 242425). Algorithms developed to predict the effect of sequence changes on RNA splicing suggest that this variant may disrupt the consensus splice site. This variant is located in the A band of TTN (PMID: 25589632). Truncating variants in this region are significantly overrepresented in patients affected with dilated cardiomyopathy (PMID: 25589632). Truncating variants in this region have also been reported in individuals affected with autosomal recessive centronuclear myopathy (PMID: 23975875). For these reasons, this variant has been classified as Pathogenic.

CHEO Genetics Diagnostic Laboratory, Children's Hospital of Eastern Ontario
Classification: Likely pathogenic for Cardiomyopathy. Last evaluated: 2021-11-30. Review status: criteria provided, single submitter. Criteria: ACMG Guidelines, 2015. Collection method: clinical testing. Allele origin: germline.

Fulgent Genetics
Classification: Likely pathogenic for Tibial muscular dystrophy; Myopathy, myofibrillar, 9, with early respiratory failure; Dilated cardiomyopathy 1G; Autosomal recessive limb-girdle muscular dystrophy type 2J; Early-onset myopathy with fatal cardiomyopathy; Hypertrophic cardiomyopathy 9. Last evaluated: 2021-11-03. Review status: criteria provided, single submitter. Criteria: ACMG Guidelines, 2015. Collection method: clinical testing. Allele origin: unknown.

AiLife Diagnostics
Classification: Pathogenic. Last evaluated: 2021-09-20. Review status: criteria provided, single submitter. Criteria: ACMG Guidelines, 2015. Collection method: clinical testing. Allele origin: germline. Affected: yes. Observed: 1 variant allele.

Blueprint Genetics
Classification: Pathogenic for TTN-related disorders. Last evaluated: 2020-10-08. Review status: criteria provided, single submitter. Criteria: ACMG Guidelines, 2015. Collection method: clinical testing. Allele origin: germline. Affected: yes. Observed: 1 variant allele.

Laboratory for Molecular Medicine, Mass General Brigham Personalized Medicine
Classification: Likely pathogenic for Primary dilated cardiomyopathy. Last evaluated: 2018-07-25. Review status: criteria provided, single submitter. Criteria: ACMG Guidelines, 2015. Collection method: clinical testing. Allele origin: germline. Inheritance: Autosomal dominant inheritance.
Comment: The c.59645-2A>C variant in TTN has been reported in compound heterozygous state in 1 individual with congenital muscular dystrophy and DCM (reported as c.67349-2A>C, O'Grady 2016). It has also been identified in 1/109468 of European chromosomes by the Genome Aggregation Database (gnomAD; dbSNP rs753948675) and has been reported in ClinVar (Variation ID: 424832). This variant occurs in the invariant region (+/- 1,2) of the splice consensus sequence and is predicted to cause altered splicing leading to an abnormal or absent protein. Truncating variants in TTN are strongly associated with DCM if they impact the exons encoding for the A-band (Herman 2012, Pugh 2014) and/or are located in an exon that is highly expressed in the heart (Roberts 2015). The c.59645-2A>C variant is located in A-band adjacent to the highly expressed exon 267. In summary, although additional studies are required to fully establish its clinical significance, the c.59645-2A>C variant is likely pathogenic. ACMG/AMP Criteria applied: PM2; PM3; PVS1_Moderate.

Literature cited by the submitters: PubMed 27159402 (cited by 3 submitters); PubMed 27854218 (cited by 3 submitters); PubMed 25589632 (cited by Labcorp Genetics (formerly Invitae), Labcorp); PubMed 23975875 (cited by Labcorp Genetics (formerly Invitae), Labcorp); PubMed 31727422 (cited by AiLife Diagnostics); PubMed 32597815 (cited by AiLife Diagnostics).